The following is an entry in ClinVar:

NM_032737.4(LMNB2):c.804C>T (p.Asp268=)

Gene: LMNB2 (lamin B2; minus strand). Cytogenetic location: 19p13.3.
Variant type: single nucleotide variant.
Coding change: c.804C>T on transcript NM_032737.4 (MANE Select); coding-DNA position 804, C replaced by T.
Protein change: p.Asp268=; no amino-acid change (aspartic acid 268 retained).
Molecular consequence: synonymous variant.
Genome position (GRCh38, 1-based): chr19:2,435,052, G>A on the plus strand (C>T on the coding strand, the complement: LMNB2 is on the minus strand). VCF-style: chr19-2435052-G-A. GRCh37 (hg19) VCF-style: chr19-2435050-G-A.
Identifiers: ClinVar variation 435779 (VCV000435779.20), dbSNP rs150969746, ClinGen allele CA9067753.

ClinVar aggregate classification (germline): Benign/Likely benign. Review status: criteria provided, multiple submitters, no conflicts (2 of 4 stars). 6 submissions from 6 submitters: Benign (2); Likely benign (4). Last evaluated 2026-06-01.

Conditions:
Lipodystrophy, partial, acquired, susceptibility to (APLD). Also called: APLD, SUSCEPTIBILITY TO. Identifiers: MedGen C3887501, MONDO:0100476, OMIM 608709.
Progressive myoclonic epilepsy type 9. Identifiers: Orphanet 457265, MedGen C4225289, MONDO:0014685, OMIM 616540.

Allele frequency attached by ClinVar (database versions not stated): 1000 Genomes Project 0.00140; 1000 Genomes Project 30x 0.00156; gnomAD 0.00159; TOPMed 0.00164; ESP Exome Variant Server 0.00215.
gnomAD v4.1: 493 of 1,610,524 alleles (0.031%); highest among the groups gnomAD compares: African/African-American, 0.51%; 1 homozygote.

Submissions (6):

CeGaT Center for Human Genetics Tuebingen
Classification: Likely benign. Last evaluated: 2026-06-01. Review status: criteria provided, single submitter. Criteria: CeGaT Center For Human Genetics Tuebingen Variant Classification Criteria Version 2. Collection method: clinical testing. Allele origin: germline. Affected: yes. Observed: 1 variant allele.
Comment: LMNB2: BP4, BP7

Labcorp Genetics (formerly Invitae), Labcorp
Classification: Benign for Progressive myoclonic epilepsy type 9; Lipodystrophy, partial, acquired, susceptibility to. Last evaluated: 2025-12-30. Review status: criteria provided, single submitter. Criteria: Invitae Variant Classification Sherloc (09022015). Collection method: clinical testing. Allele origin: germline.

Blueprint Genetics
Classification: Likely benign. Last evaluated: 2024-09-07. Review status: criteria provided, single submitter. Criteria: ACMG Guidelines, 2015. Collection method: clinical testing. Allele origin: germline.

Athena Diagnostics
Classification: Benign. Last evaluated: 2018-11-20. Review status: criteria provided, single submitter. Criteria: Athena Diagnostics Criteria. Collection method: clinical testing. Allele origin: germline.

Genetic Services Laboratory, University of Chicago
Classification: Likely benign. Last evaluated: 2016-06-10. Review status: criteria provided, single submitter. Criteria: ACMG Guidelines, 2015. Collection method: clinical testing. Allele origin: germline. Affected: no.

Breakthrough Genomics
Classification: Likely benign. Review status: criteria provided, single submitter. Criteria: ACMG Guidelines, 2015. Collection method: not provided. Allele origin: germline. Inheritance: Autosomal recessive inheritance. Affected: yes.